The following is an entry in ClinVar:

ClinVar aggregate classification (germline): Uncertain significance (1 of 4 stars; one submission).

Conditions:
Fanconi anemia (FA). Also called: Fanconi's anemia. Identifiers: Orphanet 84, MedGen C0015625, MeSH D005199, MONDO:0019391.

Allele frequency attached by ClinVar (database versions not stated): gnomAD exomes below 0.00001.
gnomAD v4.1: 1 of 1,614,130 alleles (0.000062%); highest among the groups gnomAD compares: Non-Finnish European, 0.000085%; no homozygotes.

Submission:

Labcorp Genetics (formerly Invitae), Labcorp
Classification: Uncertain significance for Fanconi anemia. Last evaluated: 2022-07-06. Review status: criteria provided, single submitter. Criteria: Invitae Variant Classification Sherloc (09022015). Collection method: clinical testing. Allele origin: germline.
Comment: In summary, the available evidence is currently insufficient to determine the role of this variant in disease. Therefore, it has been classified as a Variant of Uncertain Significance. Algorithms developed to predict the effect of missense changes on protein structure and function output the following: SIFT: "Tolerated"; PolyPhen-2: "Benign"; Align-GVGD: "Class C0". The proline amino acid residue is found in multiple mammalian species, which suggests that this missense change does not adversely affect protein function. This variant has not been reported in the literature in individuals affected with FANCF-related conditions. This variant is not present in population databases (gnomAD no frequency). This sequence change replaces alanine, which is neutral and non-polar, with proline, which is neutral and non-polar, at codon 29 of the FANCF protein (p.Ala29Pro).

NM_022725.4(FANCF):c.85G>C (p.Ala29Pro)

Gene: FANCF (FA complementation group F; minus strand). Cytogenetic location: 11p14.3.
Variant type: single nucleotide variant.
Coding change: c.85G>C on transcript NM_022725.4 (MANE Select); coding-DNA position 85, G replaced by C.
Protein change: p.Ala29Pro; replaces alanine 29 with proline.
Molecular consequence: missense variant.
Genome position (GRCh38, 1-based): chr11:22,625,726, C>G on the plus strand (G>C on the coding strand, the complement: FANCF is on the minus strand). VCF-style: chr11-22625726-C-G. GRCh37 (hg19) VCF-style: chr11-22647272-C-G.
Other names: short protein forms A29P.
Identifiers: ClinVar variation 2014423 (VCV002014423.4), dbSNP rs2133798720, ClinGen allele CA380059727.